The following is an entry in ClinVar:

ClinVar aggregate classification (germline): Likely benign. Review status: criteria provided, multiple submitters, no conflicts (2 of 4 stars). 4 submissions from 4 submitters: Likely benign (4). Last evaluated 2026-09-01.

Allele frequency attached by ClinVar (database versions not stated): 1000 Genomes Project 0.00020; 1000 Genomes Project 30x 0.00047; ESP Exome Variant Server 0.00060; gnomAD exomes 0.00069 and 0.00136; TOPMed 0.00072; ExAC 0.00085; gnomAD 0.00096.
gnomAD v4.1: 2,103 of 1,579,080 alleles (0.13%); highest among the groups gnomAD compares: Non-Finnish European, 0.16%; 5 homozygotes.

Submissions (4):

CeGaT Center for Human Genetics Tuebingen
Classification: Likely benign. Last evaluated: 2026-09-01. Review status: criteria provided, single submitter. Criteria: CeGaT Center For Human Genetics Tuebingen Variant Classification Criteria Version 2. Collection method: clinical testing. Allele origin: germline. Affected: yes. Observed: 7 variant alleles.
Comment: AP3B2: BP4, BP7

Labcorp Genetics (formerly Invitae), Labcorp
Classification: Likely benign. Last evaluated: 2025-12-26. Review status: criteria provided, single submitter. Criteria: Invitae Variant Classification Sherloc (09022015). Collection method: clinical testing. Allele origin: germline.

Blueprint Genetics
Classification: Likely benign. Last evaluated: 2024-09-25. Review status: criteria provided, single submitter. Criteria: ACMG Guidelines, 2015. Collection method: clinical testing. Allele origin: germline.

Breakthrough Genomics
Classification: Likely benign. Review status: criteria provided, single submitter. Criteria: ACMG Guidelines, 2015. Collection method: not provided. Allele origin: germline. Inheritance: Autosomal recessive inheritance. Affected: yes.

NM_001278512.2(AP3B2):c.855G>A (p.Thr285=)

Genes: AP3B2 (adaptor related protein complex 3 subunit beta 2; minus strand), CPEB1-AS1 (CPEB1 antisense RNA 1; plus strand). Cytogenetic location: 15q25.2.
Variant type: single nucleotide variant.
Coding change: c.855G>A on transcript NM_001278512.2 (MANE Select); coding-DNA position 855, G replaced by A.
Protein change: p.Thr285=; no amino-acid change (threonine 285 retained).
Molecular consequence: synonymous variant.
Genome position (GRCh38, 1-based): chr15:82,680,672, C>T on the plus strand (G>A on the coding strand, the complement: AP3B2 is on the minus strand). VCF-style: chr15-82680672-C-T. GRCh37 (hg19) VCF-style: chr15-83349424-C-T.
Other names: c.759G>A, p.Thr253= (NM_001278511.2); c.855G>A, p.Thr285= (NM_004644.5).
Identifiers: ClinVar variation 732900 (VCV000732900.45), dbSNP rs377638665, ClinGen allele CA7700382.